The following is an entry in ClinVar:

NM_000229.2(LCAT):c.849G>A (p.Trp283Ter)

Gene: LCAT (lecithin-cholesterol acyltransferase; minus strand). Cytogenetic location: 16q22.1.
Variant type: single nucleotide variant.
Coding change: c.849G>A on transcript NM_000229.2 (MANE Select); coding-DNA position 849, G replaced by A.
Protein change: p.Trp283Ter; replaces tryptophan 283 with a stop codon.
Molecular consequence: nonsense.
Genome position (GRCh38, 1-based): chr16:67,940,378, C>T on the plus strand (G>A on the coding strand, the complement: LCAT is on the minus strand). VCF-style: chr16-67940378-C-T. GRCh37 (hg19) VCF-style: chr16-67974281-C-T.
Other names: short protein forms W283*.
Identifiers: ClinVar variation 2879462 (VCV002879462.3), dbSNP rs2544403082, ClinGen allele CA396376226.

ClinVar aggregate classification (germline): Pathogenic (1 of 4 stars; one submission).

Submission:

Labcorp Genetics (formerly Invitae), Labcorp
Classification: Pathogenic. Last evaluated: 2023-12-09. Review status: criteria provided, single submitter. Criteria: Invitae Variant Classification Sherloc (09022015). Collection method: clinical testing. Allele origin: germline.
Comment: This sequence change creates a premature translational stop signal (p.Trp283*) in the LCAT gene. While this is not anticipated to result in nonsense mediated decay, it is expected to disrupt the last 158 amino acid(s) of the LCAT protein. This variant is not present in population databases (gnomAD no frequency). This variant has not been reported in the literature in individuals affected with LCAT-related conditions. This variant disrupts a region of the LCAT protein in which other variant(s) (p.Arg423Cys) have been determined to be pathogenic (PMID: 7749857). This suggests that this is a clinically significant region of the protein, and that variants that disrupt it are likely to be disease-causing. For these reasons, this variant has been classified as Pathogenic.

Literature cited by the submitters: PubMed 7749857.